The following is an entry in ClinVar:

ClinVar aggregate classification (germline): Likely pathogenic (1 of 4 stars; one submission).

Conditions:
Immunodeficiency, common variable, 7. Identifiers: Orphanet 1572, Orphanet 696894, MedGen C3542922, MONDO:0013862, OMIM 614699.

Allele frequency attached by ClinVar (database versions not stated): gnomAD 0.00001.
gnomAD v4.1: 4 of 1,613,668 alleles (0.00025%); highest among the groups gnomAD compares: Middle Eastern, 0.017%; no homozygotes.

Submission:

Foundation for Research in Genetics and Endocrinology, FRIGE's Institute of Human Genetics
Classification: Likely pathogenic for Immunodeficiency, common variable, 7. Last evaluated: 2021-08-14. Review status: criteria provided, single submitter. Criteria: ACMG Guidelines, 2015. Collection method: clinical testing. Allele origin: paternal. Inheritance: Autosomal recessive inheritance. Affected: yes. Observed: 1 heterozygote.
Comment: A heterozygous missense variation in exon 15 of the CR2 gene that results in the amino acid substitution of Glutamic acid for Glycine at codon 957 was detected. The observed variant c.2870G>A (p.Gly957Glu) has not been reported in the 1000 genomes and has a minor allele frequency of 0.001% in the gnomAD. The in silico prediction of the variant are possibly damaging by PolyPhen-2 (HumDiv) and damaging by SIFT and MutationTaster2. The reference codon is conserved across species. In summary, the variant meets our criteria to be classified as a likely pathogenic variant.

NM_001006658.3(CR2):c.2870G>A (p.Gly957Glu)

Gene: CR2 (complement C3d receptor 2; plus strand). Cytogenetic location: 1q32.2.
Variant type: single nucleotide variant.
Coding change: c.2870G>A on transcript NM_001006658.3 (MANE Select); coding-DNA position 2870, G replaced by A.
Protein change: p.Gly957Glu; replaces glycine 957 with glutamic acid.
Molecular consequence: missense variant.
Genome position (GRCh38, 1-based): chr1:207,476,387, G>A. VCF-style: chr1-207476387-G-A. GRCh37 (hg19) VCF-style: chr1-207649732-G-A.
Other names: p.Gly957Glu; c.2693G>A, p.Gly898Glu (NM_001877.5); short protein forms G898E, G957E.
Identifiers: ClinVar variation 1342179 (VCV001342179.4), dbSNP rs764859619, ClinGen allele CA344540275.